The following is an entry in ClinVar:

ClinVar aggregate classification (germline): Uncertain significance (1 of 4 stars; one submission).

Conditions:
Neurodevelopmental disorder with hypotonia, seizures, and absent language (NDHSAL). Identifiers: MedGen C4310643, MONDO:0014995, OMIM 617268.

Allele frequency attached by ClinVar (database versions not stated): TOPMed below 0.00001; gnomAD 0.00001; gnomAD exomes 0.00001.
gnomAD v4.1: 8 of 1,613,810 alleles (0.0005%); highest among the groups gnomAD compares: Non-Finnish European, 0.00068%; no homozygotes.

Submission:

Victorian Clinical Genetics Services, Murdoch Childrens Research Institute
Classification: Uncertain significance for Neurodevelopmental disorder with hypotonia, seizures, and absent language. Last evaluated: 2020-10-19. Review status: criteria provided, single submitter. Criteria: ACMG Guidelines, 2015. Collection method: clinical testing. Allele origin: germline. Inheritance: Autosomal dominant inheritance. Affected: yes.
Comment: Based on the classification scheme VCGS_Germline_v1.3.3, this variant is classified as 3B-VUS. Following criteria are met: 0105 - The mechanism of disease for this gene is not clearly established. (I) 0107 - This gene is associated with autosomal dominant disease. (I) 0200 - Variant is predicted to result in a missense amino acid change from leucine to valine. (I) 0251 - This variant is heterozygous. (I) 0302 - Variant is present in gnomAD (v2) <0.001 for a dominant condition (1 heterozygote, 0 homozygotes). (SP) 0502 - Missense variant with conflicting in silico predictions and uninformative conservation. (I) 0604 - Variant is not located in an established domain, motif, hotspot or informative constraint region. (I) 0705 - No comparable missense variants have previous evidence for pathogenicity. (I) 0807 - This variant has no previous evidence of pathogenicity. (I) 0905 - No published segregation evidence has been identified for this variant. (I) 1007 - No published functional evidence has been identified for this variant. (I) 1208 - Inheritance information for this variant is not currently available in this individual. (I) Legend: (SP) - Supporting pathogenic, (I) - Information, (SB) - Supporting benign

NM_001348768.2(HECW2):c.1462C>G (p.Leu488Val)

Gene: HECW2 (HECT, C2 and WW domain containing E3 ubiquitin protein ligase 2; minus strand). Cytogenetic location: 2q32.3.
Variant type: single nucleotide variant.
Coding change: c.1462C>G on transcript NM_001348768.2 (MANE Select); coding-DNA position 1462, C replaced by G.
Protein change: p.Leu488Val; replaces leucine 488 with valine.
Molecular consequence: missense variant.
Genome position (GRCh38, 1-based): chr2:196,319,428, G>C on the plus strand (C>G on the coding strand, the complement: HECW2 is on the minus strand). VCF-style: chr2-196319428-G-C. GRCh37 (hg19) VCF-style: chr2-197184152-G-C.
Other names: c.394C>G, p.Leu132Val (NM_001304840.3); c.1462C>G, p.Leu488Val (NM_020760.4); short protein forms L132V, L488V.
Identifiers: ClinVar variation 1806332 (VCV001806332.1), dbSNP rs1255198465, ClinGen allele CA349966143.